The following is an entry in ClinVar:

NM_177438.3(DICER1):c.4222C>T (p.Leu1408=)

Gene: DICER1 (dicer 1, ribonuclease III; minus strand). Cytogenetic location: 14q32.13.
Variant type: single nucleotide variant.
Coding change: c.4222C>T on transcript NM_177438.3 (MANE Select); coding-DNA position 4222, C replaced by T.
Protein change: p.Leu1408=; no amino-acid change (leucine 1408 retained).
Molecular consequence: synonymous variant.
Genome position (GRCh38, 1-based): chr14:95,096,698, G>A on the plus strand (C>T on the coding strand, the complement: DICER1 is on the minus strand). VCF-style: chr14-95096698-G-A. GRCh37 (hg19) VCF-style: chr14-95563035-G-A.
Other names: c.4222C>T, p.Leu1408= (NM_001195573.1, NM_001271282.3, NM_001291628.2 and 1 more transcripts).
Identifiers: ClinVar variation 477194 (VCV000477194.15), dbSNP rs1015236844, ClinGen allele CA265898519.

ClinVar aggregate classification (germline): Benign/Likely benign. Review status: criteria provided, multiple submitters, no conflicts (2 of 4 stars). 3 submissions from 3 submitters: Benign (1); Likely benign (2). Last evaluated 2026-04-17.

Conditions:
DICER1-related tumor predisposition. Also called: DICER1-related pleuropulmonary blastoma cancer predisposition syndrome; DICER1 syndrome. Identifiers: Orphanet 284343, MedGen C3839822, MONDO:0100216.
Hereditary cancer-predisposing syndrome. Also called: Hereditary neoplastic syndrome; Neoplastic Syndromes, Hereditary; Hereditary Cancer Syndrome; Tumor predisposition. Identifiers: Orphanet 140162, MedGen C0027672, MeSH D009386, MONDO:0015356.

Allele frequency attached by ClinVar (database versions not stated): gnomAD exomes below 0.00001; TOPMed 0.00002; gnomAD 0.00004.
gnomAD v4.1: 7 of 1,609,214 alleles (0.00043%); highest among the groups gnomAD compares: African/African-American, 0.0094%; no homozygotes.

Submissions (3):

Myriad Genetics, Inc.
Classification: Benign for DICER1-related tumor predisposition. Last evaluated: 2026-04-17. Review status: criteria provided, single submitter. Criteria: Myriad Autosomal Dominant, Autosomal Recessive and X-Linked Classification Criteria (2023). Collection method: clinical testing. Allele origin: unknown.
Comment: This variant is considered benign. This variant is a silent/synonymous amino acid change and it is not expected to impact splicing.

Labcorp Genetics (formerly Invitae), Labcorp
Classification: Likely benign for DICER1-related tumor predisposition. Last evaluated: 2025-10-06. Review status: criteria provided, single submitter. Criteria: Invitae Variant Classification Sherloc (09022015). Collection method: clinical testing. Allele origin: germline.

Ambry Genetics
Classification: Likely benign for Hereditary cancer-predisposing syndrome. Last evaluated: 2017-08-04. Review status: criteria provided, single submitter. Criteria: Ambry Variant Classification Scheme 2023. Collection method: clinical testing. Allele origin: germline.